The following is an entry in ClinVar:

NM_007194.4(CHEK2):c.193A>T (p.Thr65Ser)

Gene: CHEK2 (checkpoint kinase 2; minus strand). Cytogenetic location: 22q12.1.
Variant type: single nucleotide variant.
Coding change: c.193A>T on transcript NM_007194.4 (MANE Select); coding-DNA position 193, A replaced by T.
Protein change: p.Thr65Ser; replaces threonine 65 with serine.
Molecular consequence: missense variant.
Genome position (GRCh38, 1-based): chr22:28,734,529, T>A on the plus strand (A>T on the coding strand, the complement: CHEK2 is on the minus strand). VCF-style: chr22-28734529-T-A. GRCh37 (hg19) VCF-style: chr22-29130517-T-A.
Other names: c.193A>T, p.Thr65Ser (NM_001005735.3, NM_001349956.3, NM_145862.3); c.-585A>T (NM_001257387.3); short protein forms T65S.
Identifiers: ClinVar variation 1020469 (VCV001020469.10), dbSNP rs1308200351, ClinGen allele CA411090824.

ClinVar aggregate classification (germline): Uncertain significance. Review status: criteria provided, multiple submitters, no conflicts (2 of 4 stars). 2 submissions from 2 submitters: Uncertain significance (2). Last evaluated 2024-12-16.

Conditions:
Hereditary cancer-predisposing syndrome. Also called: Tumor predisposition; Neoplastic Syndromes, Hereditary; Hereditary neoplastic syndrome; Hereditary Cancer Syndrome. Identifiers: Orphanet 140162, MedGen C0027672, MeSH D009386, MONDO:0015356.
Familial cancer of breast. Also called: Hereditary breast cancer; BREAST CANCER, FAMILIAL; hereditary breast carcinoma. Identifiers: Orphanet 227535, MedGen C0346153, MONDO:0016419, OMIM 114480. Disease mechanism: loss of function.

Submissions (2):

Ambry Genetics
Classification: Uncertain significance for Hereditary cancer-predisposing syndrome. Last evaluated: 2024-12-16. Review status: criteria provided, single submitter. Criteria: Ambry Variant Classification Scheme 2023. Collection method: clinical testing. Allele origin: germline.
Comment: The p.T65S variant (also known as c.193A>T), located in coding exon 1 of the CHEK2 gene, results from an A to T substitution at nucleotide position 193. The threonine at codon 65 is replaced by serine, an amino acid with similar properties. This amino acid position is conserved. In addition, the in silico prediction for this alteration is inconclusive. Based on the available evidence, the clinical significance of this variant remains unclear.

Labcorp Genetics (formerly Invitae), Labcorp
Classification: Uncertain significance for Familial cancer of breast. Last evaluated: 2020-03-23. Review status: criteria provided, single submitter. Criteria: Invitae Variant Classification Sherloc (09022015). Collection method: clinical testing. Allele origin: germline.
Comment: In summary, the available evidence is currently insufficient to determine the role of this variant in disease. Therefore, it has been classified as a Variant of Uncertain Significance. Algorithms developed to predict the effect of missense changes on protein structure and function (SIFT, PolyPhen-2, Align-GVGD) all suggest that this variant is likely to be disruptive, but these predictions have not been confirmed by published functional studies and their clinical significance is uncertain. This variant has not been reported in the literature in individuals with CHEK2-related conditions. This variant is not present in population databases (ExAC no frequency). This sequence change replaces threonine with serine at codon 65 of the CHEK2 protein (p.Thr65Ser). The threonine residue is highly conserved and there is a small physicochemical difference between threonine and serine.